The following is an entry in ClinVar:

ClinVar aggregate classification (germline): Uncertain significance (1 of 4 stars; one submission).

Conditions:
Cystic fibrosis (CF). Also called: MUCOVISCIDOSIS. Identifiers: Orphanet 586, MedGen C0010674, MONDO:0009061, OMIM 219700. Disease mechanism: loss of function.

Submission:

Ambry Genetics
Classification: Uncertain significance for Cystic fibrosis. Last evaluated: 2024-06-25. Review status: criteria provided, single submitter. Criteria: Ambry Variant Classification Scheme 2023. Collection method: clinical testing. Allele origin: germline.
Comment: The p.S756G variant (also known as c.2266A>G), located in coding exon 14 of the CFTR gene, results from an A to G substitution at nucleotide position 2266. The serine at codon 756 is replaced by glycine, an amino acid with similar properties. This amino acid position is conserved. In addition, this alteration is predicted to be tolerated by in silico analysis. Based on the available evidence, the clinical significance of this variant remains unclear.

NM_000492.4(CFTR):c.2266A>G (p.Ser756Gly)

Gene: CFTR (CF transmembrane conductance regulator; plus strand). Cytogenetic location: 7q31.2.
Variant type: single nucleotide variant.
Coding change: c.2266A>G on transcript NM_000492.4 (MANE Select); coding-DNA position 2266, A replaced by G.
Protein change: p.Ser756Gly; replaces serine 756 with glycine.
Molecular consequence: missense variant.
Genome position (GRCh38, 1-based): chr7:117,592,433, A>G. VCF-style: chr7-117592433-A-G. GRCh37 (hg19) VCF-style: chr7-117232487-A-G.
Other names: short protein forms S756G.
Identifiers: ClinVar variation 3491617 (VCV003491617.1).